The following is an entry in ClinVar:

NM_018897.3(DNAH7):c.10390G>A (p.Gly3464Ser)

Gene: DNAH7 (dynein axonemal heavy chain 7; minus strand). Cytogenetic location: 2q32.3.
Variant type: single nucleotide variant.
Coding change: c.10390G>A on transcript NM_018897.3 (MANE Select); coding-DNA position 10390, G replaced by A.
Protein change: p.Gly3464Ser; replaces glycine 3464 with serine.
Molecular consequence: missense variant.
Genome position (GRCh38, 1-based): chr2:195,796,701, C>T on the plus strand (G>A on the coding strand, the complement: DNAH7 is on the minus strand). VCF-style: chr2-195796701-C-T. GRCh37 (hg19) VCF-style: chr2-196661425-C-T.
Other names: short protein forms G3464S.
Identifiers: ClinVar variation 2500168 (VCV002500168.1), dbSNP rs2469306647, ClinGen allele CA349939309.

ClinVar aggregate classification (germline): no classifications from unflagged records (0 of 4 stars; one submission).

Conditions:
Ciliary dyskinesia, primary, 50 (CILD50). Identifiers: MedGen C5830473, MONDO:0957252, OMIM 620356.

Submission:

OMIM
Classification: Pathogenic for CILIARY DYSKINESIA, PRIMARY, 50. Last evaluated: 2023-04-28. Review status: flagged submission. Collection method: literature only. Allele origin: germline.
ClinVar note: Notes: Flagging candidate with reason of insufficient supporting evidence. This gene has been classified as having a limited gene-disease relationship by a ClinGen Expert Panel.
ClinVar note: Reason: P/LP classification for a variant in a gene with insufficient evidence for a gene-disease relationship

Literature cited by the submitters: PubMed 34476482.